The following is an entry in ClinVar:

ClinVar aggregate classification (germline): Uncertain significance (1 of 4 stars; one submission).

Submission:

Medical Genetic Center, Changzhi Maternal and Child Health Care Hospital
Classification: Uncertain significance. Last evaluated: 2025-12-10. Review status: criteria provided, single submitter. Criteria: ACMG/ClinGen CNV Guidelines, 2019. Collection method: clinical testing. Allele origin: unknown.

GRCh38/hg38 21q21.1(chr21:18267260-18430038)x1

Genes: CHODL (chondrolectin; plus strand), TMPRSS15 (transmembrane serine protease 15; minus strand). Cytogenetic location: 21q21.1.
Variant type: copy number loss.
Change: copy number 1 (one copy instead of two) of chr21:18,267,260-18,430,038 (162.8 kb, GRCh38 coordinates, 1-based), cytogenetic band 21q21.1.
Identifiers: ClinVar variation 4796211 (VCV004796211.1).